The following is an entry in ClinVar:

NM_000214.3(JAG1):c.854A>T (p.Glu285Val)

Gene: JAG1 (jagged canonical Notch ligand 1; minus strand). Cytogenetic location: 20p12.2.
Variant type: single nucleotide variant.
Coding change: c.854A>T on transcript NM_000214.3 (MANE Select); coding-DNA position 854, A replaced by T.
Protein change: p.Glu285Val; replaces glutamic acid 285 with valine.
Molecular consequence: missense variant.
Genome position (GRCh38, 1-based): chr20:10,652,500, T>A on the plus strand (A>T on the coding strand, the complement: JAG1 is on the minus strand). VCF-style: chr20-10652500-T-A. GRCh37 (hg19) VCF-style: chr20-10633148-T-A.
Other names: short protein forms E285V.
Identifiers: ClinVar variation 3573143 (VCV003573143.2).

Conditions:
Arteriohepatic dysplasia. Also called: Alagille Syndrome. Identifiers: Orphanet 52, MedGen C0085280, MeSH D016738, MONDO:0007318.

gnomAD v4.1: 1 of 1,614,122 alleles (0.000062%); highest among the groups gnomAD compares: Non-Finnish European, 0.000085%; no homozygotes.

Submission:

Gilbert/Spinner Lab, Children's Hospital of Philadelphia
No classification provided (evidence only). Condition: Alagille syndrome. Review status: no classification provided. Collection method: research. Allele origin: not applicable. Functional consequence: functionally_abnormal.
ClinVar note: "not provided" was previously submitted as the classification for the variant. However, the classification appeared to be based only on an observation of functional data so it was converted to no classification on 2025-07-30.